The following is an entry in ClinVar:

ClinVar aggregate classification (germline): Uncertain significance. Review status: criteria provided, multiple submitters, no conflicts (2 of 4 stars). 2 submissions from 2 submitters: Uncertain significance (2). Last evaluated 2026-06-17.

Conditions:
Dyskeratosis congenita. Identifiers: Orphanet 1775, MedGen C0265965, MONDO:0015780.
Idiopathic Pulmonary Fibrosis. Also called: Idiopathic fibrosing alveolitis, chronic form; idiopathic fibrosing alveolitis. Identifiers: Orphanet 2032, MedGen C1800706, MeSH D054990, MONDO:0800504.
Dyskeratosis congenita, autosomal dominant 2. Identifiers: MedGen C3151443, MONDO:0013521, OMIM 613989.

gnomAD v4.1: 7 of 1,614,100 alleles (0.00043%); highest among the groups gnomAD compares: Non-Finnish European, 0.00059%; no homozygotes.

Submissions (2):

Ambry Genetics
Classification: Uncertain significance for Dyskeratosis congenita. Last evaluated: 2026-06-17. Review status: criteria provided, single submitter. Criteria: Ambry Variant Classification Scheme 2023. Collection method: clinical testing. Allele origin: germline.
Comment: The p.A1014T variant (also known as c.3040G>A), located in coding exon 14 of the TERT gene, results from a G to A substitution at nucleotide position 3040. The alanine at codon 1014 is replaced by threonine, an amino acid with similar properties. This amino acid position is highly conserved in available vertebrate species. In addition, the in silico prediction for this alteration is inconclusive. Based on the available evidence, the clinical significance of this variant remains unclear.

Labcorp Genetics (formerly Invitae), Labcorp
Classification: Uncertain significance for Dyskeratosis congenita, autosomal dominant 2; Idiopathic Pulmonary Fibrosis. Last evaluated: 2024-05-02. Review status: criteria provided, single submitter. Criteria: Invitae Variant Classification Sherloc (09022015). Collection method: clinical testing. Allele origin: germline.
Comment: This sequence change replaces alanine, which is neutral and non-polar, with threonine, which is neutral and polar, at codon 1014 of the TERT protein (p.Ala1014Thr). This variant is not present in population databases (gnomAD no frequency). This variant has not been reported in the literature in individuals affected with TERT-related conditions. Advanced modeling of protein sequence and biophysical properties (such as structural, functional, and spatial information, amino acid conservation, physicochemical variation, residue mobility, and thermodynamic stability) performed at Invitae indicates that this missense variant is expected to disrupt TERT protein function with a positive predictive value of 80%. In summary, the available evidence is currently insufficient to determine the role of this variant in disease. Therefore, it has been classified as a Variant of Uncertain Significance.

NM_198253.3(TERT):c.3040G>A (p.Ala1014Thr)

Gene: TERT (telomerase reverse transcriptase; minus strand). Cytogenetic location: 5p15.33.
Variant type: single nucleotide variant.
Coding change: c.3040G>A on transcript NM_198253.3 (MANE Select); coding-DNA position 3040, G replaced by A.
Protein change: p.Ala1014Thr; replaces alanine 1014 with threonine.
Molecular consequence: missense variant. On other transcripts: non-coding transcript variant (2).
Genome position (GRCh38, 1-based): chr5:1,255,404, C>T on the plus strand (G>A on the coding strand, the complement: TERT is on the minus strand). VCF-style: chr5-1255404-C-T. GRCh37 (hg19) VCF-style: chr5-1255519-C-T.
Other names: c.2851G>A, p.Ala951Thr (NM_001193376.3); short protein forms A1014T, A951T.
Identifiers: ClinVar variation 3762596 (VCV003762596.3).